The following is an entry in ClinVar:

ClinVar aggregate classification (germline): Uncertain significance (1 of 4 stars; one submission).

gnomAD v4.1: 160 of 1,613,998 alleles (0.0099%); highest among the groups gnomAD compares: Non-Finnish European, 0.013%; no homozygotes.

Submission:

Women's Health and Genetics/Laboratory Corporation of America, LabCorp
Classification: Uncertain significance. Last evaluated: 2025-03-16. Review status: criteria provided, single submitter. Criteria: LabCorp Variant Classification Summary - May 2015. Collection method: clinical testing. Allele origin: germline.
Comment: Variant summary: DCAF8 c.1430A>G (p.Lys477Arg) results in a conservative amino acid change in the encoded protein sequence. Four of five in-silico tools predict a benign effect of the variant on protein function. The variant allele was found at a frequency of 2.8e-05 in 251432 control chromosomes. The available data on variant occurrences in the general population are insufficient to allow any conclusion about variant significance. To our knowledge, no occurrence of c.1430A>G in individuals affected with Giant axonal neuropathy 2 and no experimental evidence demonstrating its impact on protein function have been reported. No submitters have cited clinical-significance assessments for this variant to ClinVar. Based on the evidence outlined above, the variant was classified as uncertain significance.

NM_015726.4(DCAF8):c.1430A>G (p.Lys477Arg)

Gene: DCAF8 (DDB1 and CUL4 associated factor 8; minus strand). Cytogenetic location: 1q23.2.
Variant type: single nucleotide variant.
Coding change: c.1430A>G on transcript NM_015726.4 (MANE Select); coding-DNA position 1430, A replaced by G.
Protein change: p.Lys477Arg; replaces lysine 477 with arginine.
Molecular consequence: missense variant. On other transcripts: non-coding transcript variant (2).
Genome position (GRCh38, 1-based): chr1:160,222,661, T>C on the plus strand (A>G on the coding strand, the complement: DCAF8 is on the minus strand). VCF-style: chr1-160222661-T-C. GRCh37 (hg19) VCF-style: chr1-160192451-T-C.
Other names: short protein forms K477R.
Identifiers: ClinVar variation 3895632 (VCV003895632.1).